The following is an entry in ClinVar:

ClinVar aggregate classification (germline): Benign (1 of 4 stars; one submission).

Conditions:
Ichthyosis bullosa of Siemens (IBS). Also called: Superficial epidermolytic ichthyosis. Identifiers: Orphanet 455, MedGen C0432306, MONDO:0007813, OMIM 146800.

Allele frequency attached by ClinVar (database versions not stated): TOPMed below 0.00001; ExAC 0.00001; gnomAD 0.00002 and 0.00003; gnomAD exomes 0.00002; 1000 Genomes Project 30x 0.00031; 1000 Genomes Project 0.00040.

Submission:

Illumina Laboratory Services, Illumina
Classification: Benign for Ichthyosis bullosa of Siemens. Last evaluated: 2018-01-13. Review status: criteria provided, single submitter. Criteria: ICSL Variant Classification Criteria 13 December 2019. Collection method: clinical testing. Allele origin: germline.
Comment: This variant was observed in the ICSL laboratory as part of a predisposition screen in an ostensibly healthy population. It had not been previously curated by ICSL or reported in the Human Gene Mutation Database (HGMD: prior to June 1st, 2018), and was therefore a candidate for classification through an automated scoring system. Utilizing variant allele frequency, disease prevalence and penetrance estimates, and inheritance mode, an automated score was calculated to assess if this variant is too frequent to cause the disease. Based on the score and internal cut-off values, a variant classified as benign is not then subjected to further curation. The score for this variant resulted in a classification of benign for this disease.

NM_000423.3(KRT2):c.1147G>A (p.Gly383Arg)

Gene: KRT2 (keratin 2; minus strand). Cytogenetic location: 12q13.13.
Variant type: single nucleotide variant.
Coding change: c.1147G>A on transcript NM_000423.3 (MANE Select); coding-DNA position 1147, G replaced by A.
Protein change: p.Gly383Arg; replaces glycine 383 with arginine.
Molecular consequence: missense variant.
Genome position (GRCh38, 1-based): chr12:52,647,831, C>T on the plus strand (G>A on the coding strand, the complement: KRT2 is on the minus strand). VCF-style: chr12-52647831-C-T. GRCh37 (hg19) VCF-style: chr12-53041615-C-T.
Other names: short protein forms G383R.
Identifiers: ClinVar variation 882579 (VCV000882579.4), dbSNP rs527533989, ClinGen allele CA6585575.